The following is an entry in ClinVar:

NM_000075.4(CDK4):c.635C>A (p.Pro212His)

Genes: TSPAN31 (tetraspanin 31; plus strand), CDK4 (cyclin dependent kinase 4; minus strand). Cytogenetic location: 12q14.1.
Variant type: single nucleotide variant.
Coding change: c.635C>A on transcript NM_000075.4 (MANE Select); coding-DNA position 635, C replaced by A.
Protein change: p.Pro212His; replaces proline 212 with histidine.
Molecular consequence: missense variant. On other transcripts: 3 prime UTR variant (3).
Genome position (GRCh38, 1-based): chr12:57,749,502, G>T on the plus strand (C>A on the coding strand, the complement: CDK4 is on the minus strand). VCF-style: chr12-57749502-G-T. GRCh37 (hg19) VCF-style: chr12-58143285-G-T.
Other names: c.*2212G>T (NM_001330168.2, NM_001330169.2, NM_005981.5); short protein forms P212H.
Identifiers: ClinVar variation 1753040 (VCV001753040.3), dbSNP rs1307245862, ClinGen allele CA385544315.
Genomic context (GRCh38, chr12:57,749,502, plus strand): 5'-TTGGTCACTTACTCAAAGATTTTGCCCAACTGGTCGGCTTCAGAGTTTCCACAGAAGAGA[G>T]GCCTAAGGTGAGAAGGGATATAAGGTAGCAGTCATTTTCAAAGATATCTTAGTTGAATGG-3'
Protein context (NP_000066.1, residues 202-222): CIFAEMFRRK[Pro212His]LFCGNSEADQ

ClinVar aggregate classification (germline): Uncertain significance (1 of 4 stars; one submission).

Conditions:
Hereditary cancer-predisposing syndrome. Also called: Neoplastic Syndromes, Hereditary; Tumor predisposition; Hereditary Cancer Syndrome; Hereditary neoplastic syndrome. Identifiers: Orphanet 140162, MedGen C0027672, MeSH D009386, MONDO:0015356.

Allele frequency attached by ClinVar (database versions not stated): TOPMed below 0.00001; gnomAD 0.00001.
gnomAD v4.1: 1 of 1,614,002 alleles (0.000062%); no homozygotes.

Submission:

Ambry Genetics
Classification: Uncertain significance for Hereditary cancer-predisposing syndrome. Last evaluated: 2022-11-06. Review status: criteria provided, single submitter. Criteria: Ambry Variant Classification Scheme 2023. Collection method: clinical testing. Allele origin: germline.
Comment: The p.P212H variant (also known as c.635C>A), located in coding exon 5 of the CDK4 gene, results from a C to A substitution at nucleotide position 635. The proline at codon 212 is replaced by histidine, an amino acid with similar properties. This amino acid position is highly conserved in available vertebrate species. In addition, this alteration is predicted to be tolerated by in silico analysis. Since supporting evidence is limited at this time, the clinical significance of this alteration remains unclear.